The following is an entry in ClinVar:

ClinVar aggregate classification (germline): Uncertain significance (1 of 4 stars; one submission).

Conditions:
Familial adenomatous polyposis 1 (FAP1). Also called: POLYPOSIS, ADENOMATOUS INTESTINAL; FAMILIAL ADENOMATOUS POLYPOSIS 1, ATTENUATED. Identifiers: MedGen C2713442, MONDO:0021056, OMIM 175100. Disease mechanism: loss of function.

Submission:

Labcorp Genetics (formerly Invitae), Labcorp
Classification: Uncertain significance for Familial adenomatous polyposis 1. Last evaluated: 2023-08-16. Review status: criteria provided, single submitter. Criteria: Invitae Variant Classification Sherloc (09022015). Collection method: clinical testing. Allele origin: germline.
Comment: In summary, the available evidence is currently insufficient to determine the role of this variant in disease. Therefore, it has been classified as a Variant of Uncertain Significance. This variant has not been reported in the literature in individuals affected with APC-related conditions. This variant, c.73_81dup, results in the insertion of 3 amino acid(s) of the APC protein (p.Gln25_Leu27dup), but otherwise preserves the integrity of the reading frame. This variant is not present in population databases (gnomAD no frequency).

NM_000038.6(APC):c.73_81dup (p.Leu27_Glu28insGlnGluLeu)

Gene: APC (APC regulator of Wnt signaling pathway; plus strand). Cytogenetic location: 5q22.2.
Variant type: Duplication.
Coding change: c.73_81dup on transcript NM_000038.6 (MANE Select); coding-DNA positions 73 to 81, 9 bases duplicated (CAAGAGCTA; older notation c.73_81dupCAAGAGCTA).
Protein change: p.Leu27_Glu28insGlnGluLeu.
Molecular consequence: inframe insertion. On other transcripts: 5 prime UTR variant (4), non-coding transcript variant (2), intron variant (11).
Genome position (GRCh38, 1-based): chr5:112,754,963-112,754,971, CAAGAGCTA duplicated; duplicating any 9 consecutive bases within chr5:112,754,962-112,754,971 gives the same sequence; the c. name uses the placement nearest the transcript's 3' end. VCF-style (leftmost placement, unchanged base first): chr5-112754961-G-GACAAGAGCT. GRCh37 (hg19) VCF-style: chr5-112090658-G-GACAAGAGCT.
Other names: c.73_81dup, p.Leu27_Glu28insGlnGluLeu (NM_001127510.3, NM_001354895.2, NM_001354896.2 and 16 more transcripts); c.-963_-955dup (NM_001354906.2, NM_001407470.1, NM_001407471.1 and 1 more transcripts); c.166-11363_166-11355dup (NM_001407446.1, NM_001354897.2, NM_001354902.2 and 1 more transcripts); c.-42-11363_-42-11355dup (NM_001407453.1, NM_001354900.2, NM_001354901.2 and 1 more transcripts); c.61-11363_61-11355dup (NM_001407451.1, NM_001354898.2, NM_001354904.2).
Identifiers: ClinVar variation 2752933 (VCV002752933.3), dbSNP rs2532136957, ClinGen allele CA2697546391.